The following is an entry in ClinVar:

ClinVar aggregate classification (germline): Pathogenic (1 of 4 stars; one submission).

Conditions:
Hereditary cancer-predisposing syndrome. Also called: Tumor predisposition; Hereditary neoplastic syndrome; Hereditary Cancer Syndrome; Neoplastic Syndromes, Hereditary. Identifiers: Orphanet 140162, MedGen C0027672, MeSH D009386, MONDO:0015356.

Submission:

Ambry Genetics
Classification: Pathogenic for Hereditary cancer-predisposing syndrome. Last evaluated: 2023-12-29. Review status: criteria provided, single submitter. Criteria: Ambry Variant Classification Scheme 2023. Collection method: clinical testing. Allele origin: germline.
Comment: The p.Y477* pathogenic mutation (also known as c.1431C>A), located in coding exon 5 of the AXIN2 gene, results from a C to A substitution at nucleotide position 1431. This changes the amino acid from a tyrosine to a stop codon within coding exon 5. This alteration is expected to result in loss of function by premature protein truncation or nonsense-mediated mRNA decay. This variant is considered to be rare based on population cohorts in the Genome Aggregation Database (gnomAD). As such, this alteration is interpreted as a disease-causing mutation.

NM_004655.4(AXIN2):c.1431C>A (p.Tyr477Ter)

Gene: AXIN2 (axin 2; minus strand). Cytogenetic location: 17q24.1.
Variant type: single nucleotide variant.
Coding change: c.1431C>A on transcript NM_004655.4 (MANE Select); coding-DNA position 1431, C replaced by A.
Protein change: p.Tyr477Ter; replaces tyrosine 477 with a stop codon.
Molecular consequence: nonsense.
Genome position (GRCh38, 1-based): chr17:65,537,605, G>T on the plus strand (C>A on the coding strand, the complement: AXIN2 is on the minus strand). VCF-style: chr17-65537605-G-T. GRCh37 (hg19) VCF-style: chr17-63533723-G-T.
Other names: c.1431C>A, p.Tyr477Ter (NM_001363813.1); short protein forms Y477*.
Identifiers: ClinVar variation 3224368 (VCV003224368.1), dbSNP rs2509414978, ClinGen allele CA400677512.